The following is an entry in ClinVar:

NM_017617.5(NOTCH1):c.2441A>C (p.Lys814Thr)

Gene: NOTCH1 (notch receptor 1; minus strand). Cytogenetic location: 9q34.3.
Variant type: single nucleotide variant.
Coding change: c.2441A>C on transcript NM_017617.5 (MANE Select); coding-DNA position 2441, A replaced by C.
Protein change: p.Lys814Thr; replaces lysine 814 with threonine.
Molecular consequence: missense variant.
Genome position (GRCh38, 1-based): chr9:136,513,047, T>G on the plus strand (A>C on the coding strand, the complement: NOTCH1 is on the minus strand). VCF-style: chr9-136513047-T-G. GRCh37 (hg19) VCF-style: chr9-139407499-T-G.
Other names: short protein forms K814T.
Identifiers: ClinVar variation 3226956 (VCV003226956.1), dbSNP rs747529236, ClinGen allele CA375556423.

ClinVar aggregate classification (germline): Uncertain significance (1 of 4 stars; one submission).

Conditions:
Familial thoracic aortic aneurysm and aortic dissection (TAAD). Also called: Thoracic aortic aneurysms and dissections. Identifiers: Orphanet 91387, MedGen C4707243, MONDO:0019625.

Submission:

Ambry Genetics
Classification: Uncertain significance for Familial thoracic aortic aneurysm and aortic dissection. Last evaluated: 2024-02-17. Review status: criteria provided, single submitter. Criteria: Ambry Variant Classification Scheme 2023. Collection method: clinical testing. Allele origin: germline.
Comment: The p.K814T variant (also known as c.2441A>C), located in coding exon 15 of the NOTCH1 gene, results from an A to C substitution at nucleotide position 2441. The lysine at codon 814 is replaced by threonine, an amino acid with similar properties. This amino acid position is conserved. In addition, this alteration is predicted to be tolerated by in silico analysis. Based on the available evidence, the clinical significance of this alteration remains unclear.